The following is an entry in ClinVar:

ClinVar aggregate classification (germline): Uncertain significance. Review status: criteria provided, multiple submitters, no conflicts (2 of 4 stars). 3 submissions from 3 submitters: Uncertain significance (3). Last evaluated 2025-12-10.

Conditions:
Tietz syndrome (TADS). Also called: ALBINISM-DEAFNESS OF TIETZ; HYPOPIGMENTATION/DEAFNESS OF TIETZ; TIETZ ALBINISM-DEAFNESS SYNDROME. Identifiers: Orphanet 42665, MedGen C0391816, MONDO:0007077, OMIM 103500.
Waardenburg syndrome type 2A (WS2A). Also called: WAARDENBURG SYNDROME WITHOUT DYSTOPIA CANTHORUM. Identifiers: Orphanet 3440, MedGen C1860339, MONDO:0008671, OMIM 193510.
Melanoma, cutaneous malignant, susceptibility to, 8. Also called: Cutaneous malignant melanoma 8; MELANOMA AND RENAL CELL CARCINOMA, SUSCEPTIBILITY TO. Identifiers: Orphanet 293822, MedGen C3152204, MONDO:0013759, OMIM 614456.
Hereditary cancer-predisposing syndrome. Also called: Neoplastic Syndromes, Hereditary; Tumor predisposition; Hereditary Cancer Syndrome; Hereditary neoplastic syndrome. Identifiers: Orphanet 140162, MedGen C0027672, MeSH D009386, MONDO:0015356.

Allele frequency attached by ClinVar (database versions not stated): gnomAD exomes below 0.00001.
gnomAD v4.1: 1 of 1,613,958 alleles (0.000062%); highest among the groups gnomAD compares: Admixed American, 0.0017%; no homozygotes.

Submissions (3):

Labcorp Genetics (formerly Invitae), Labcorp
Classification: Uncertain significance for Melanoma, cutaneous malignant, susceptibility to, 8; Waardenburg syndrome type 2A; Tietz syndrome. Last evaluated: 2025-12-10. Review status: criteria provided, single submitter. Criteria: Invitae Variant Classification Sherloc (09022015). Collection method: clinical testing. Allele origin: germline.
Comment: This sequence change replaces proline, which is neutral and non-polar, with alanine, which is neutral and non-polar, at codon 391 of the MITF protein (p.Pro391Ala). This variant is present in population databases (no rsID available, gnomAD 0.003%). This variant has not been reported in the literature in individuals affected with MITF-related conditions. ClinVar contains an entry for this variant (Variation ID: 1716465). Invitae Evidence Modeling of protein sequence and biophysical properties (such as structural, functional, and spatial information, amino acid conservation, physicochemical variation, residue mobility, and thermodynamic stability) has been performed for this missense variant. However, the output from this modeling did not meet the statistical confidence thresholds required to predict the impact of this variant on MITF protein function. In summary, the available evidence is currently insufficient to determine the role of this variant in disease. Therefore, it has been classified as a Variant of Uncertain Significance.

Ambry Genetics
Classification: Uncertain significance for Hereditary cancer-predisposing syndrome. Last evaluated: 2025-05-02. Review status: criteria provided, single submitter. Criteria: Ambry Variant Classification Scheme 2023. Collection method: clinical testing. Allele origin: germline.
Comment: The p.P391A variant (also known as c.1171C>G), located in coding exon 9 of the MITF gene, results from a C to G substitution at nucleotide position 1171. The proline at codon 391 is replaced by alanine, an amino acid with highly similar properties. This amino acid position is conserved. In addition, this alteration is predicted to be deleterious by in silico analysis. Based on the available evidence, the clinical significance of this variant remains unclear.

GeneDx
Classification: Uncertain significance. Last evaluated: 2024-01-12. Review status: criteria provided, single submitter. Criteria: GeneDx Variant Classification Process June 2021. Collection method: clinical testing. Allele origin: germline. Affected: yes.
Comment: Not observed at significant frequency in large population cohorts (gnomAD); In silico analysis supports that this missense variant has a deleterious effect on protein structure/function; Has not been previously published as pathogenic or benign to our knowledge

NM_001354604.2(MITF):c.1492C>G (p.Pro498Ala)

Gene: MITF (melanocyte inducing transcription factor; plus strand). Cytogenetic location: 3p13.
Variant type: single nucleotide variant.
Coding change: c.1492C>G on transcript NM_001354604.2 (MANE Select); coding-DNA position 1492, C replaced by G.
Protein change: p.Pro498Ala; replaces proline 498 with alanine.
Molecular consequence: missense variant.
Genome position (GRCh38, 1-based): chr3:69,965,159, C>G. VCF-style: chr3-69965159-C-G. GRCh37 (hg19) VCF-style: chr3-70014310-C-G.
Other names: c.1426C>G, p.Pro476Ala (NM_198177.3); c.985C>G, p.Pro329Ala (NM_198178.3); c.1474C>G, p.Pro492Ala (NM_198159.3); c.1171C>G, p.Pro391Ala (NM_000248.4); c.1318C>G, p.Pro440Ala (NM_001184967.2, NM_001354608.2); c.1489C>G, p.Pro497Ala (NM_001354605.2); c.1471C>G, p.Pro491Ala (NM_001354606.2, NM_006722.3); c.1423C>G, p.Pro475Ala (NM_001354607.2); and 1 more; short protein forms P329A, P385A, P391A, P440A, P475A, P476A, P491A, P492A.
Identifiers: ClinVar variation 1716465 (VCV001716465.7), dbSNP rs1414338937, ClinGen allele CA353559954.